The following is an entry in ClinVar:

ClinVar aggregate classification (germline): Pathogenic (1 of 4 stars; one submission).

Conditions:
Intellectual developmental disorder, X-linked 19. Also called: Intellectual disability, X-linked 19. Identifiers: Orphanet 777, MedGen C0796225, MONDO:0010447, OMIM 300844.
Coffin-Lowry syndrome (CLS). Also called: COFFIN-LOWRY SYNDROME, MILD; Mental retardation with osteocartilaginous abnormalities. Identifiers: Orphanet 192, MedGen C0265252, MONDO:0010561, OMIM 303600.

Submission:

Labcorp Genetics (formerly Invitae), Labcorp
Classification: Pathogenic for Coffin-Lowry syndrome; Intellectual developmental disorder, X-linked 19. Last evaluated: 2025-12-08. Review status: criteria provided, single submitter. Criteria: Invitae Variant Classification Sherloc (09022015). Collection method: clinical testing. Allele origin: germline.
Comment: This sequence change creates a premature translational stop signal (p.Glu319*) in the RPS6KA3 gene. It is expected to result in an absent or disrupted protein product. Loss-of-function variants in RPS6KA3 are known to be pathogenic (PMID: 9837815, 19888300). This variant is not present in population databases (gnomAD no frequency). This variant has not been reported in the literature in individuals affected with RPS6KA3-related conditions. ClinVar contains an entry for this variant (Variation ID: 2950102). Algorithms developed to predict the effect of sequence changes on RNA splicing suggest that this variant may disrupt the consensus splice site. For these reasons, this variant has been classified as Pathogenic.

Literature cited by the submitters: PubMed 9837815; PubMed 19888300.

NM_004586.3(RPS6KA3):c.955G>T (p.Glu319Ter)

Gene: RPS6KA3 (ribosomal protein S6 kinase A3; minus strand). Cytogenetic location: Xp22.12.
Variant type: single nucleotide variant.
Coding change: c.955G>T on transcript NM_004586.3 (MANE Select); coding-DNA position 955, G replaced by T.
Protein change: p.Glu319Ter; replaces glutamic acid 319 with a stop codon.
Molecular consequence: nonsense.
Genome position (GRCh38, 1-based): chrX:20,176,478, C>A on the plus strand (G>T on the coding strand, the complement: RPS6KA3 is on the minus strand). VCF-style: chrX-20176478-C-A. GRCh37 (hg19) VCF-style: chrX-20194596-C-A.
Other names: short protein forms E319*.
Identifiers: ClinVar variation 2950102 (VCV002950102.3), dbSNP rs2519683509, ClinGen allele CA412518166.